The following is an entry in ClinVar:

NC_000013.11:g.(?_32315479)_(32399673_?)del

Gene: BRCA2 (BRCA2 DNA repair associated; plus strand). Cytogenetic location: 13q13.1.
Variant type: Deletion.
Identifiers: ClinVar variation 981957 (VCV000981957.1).

ClinVar aggregate classification (germline): Pathogenic (1 of 4 stars; one submission).

Conditions:
Hereditary breast ovarian cancer syndrome. Also called: Hereditary breast and ovarian cancer syndrome; Hereditary breast and/or ovarian cancer syndrome; Hereditary breast and ovarian cancer syndrome (HBOC); Hereditary breast and ovarian cancer; Breast and ovarian cancer; BRCA1- and BRCA2-Associated Hereditary Breast and Ovarian Cancer. Identifiers: Orphanet 145, MedGen C0677776, MeSH D061325, MONDO:0003582. Disease mechanism: loss of function.

Submission:

Women's Health and Genetics/Laboratory Corporation of America, LabCorp
Classification: Pathogenic for Hereditary breast and ovarian cancer syndrome. Last evaluated: 2020-02-26. Review status: criteria provided, single submitter. Criteria: LabCorp Variant Classification Summary - May 2015. Collection method: clinical testing. Allele origin: germline.
Comment: Variant summary: This variant identified by MLPA involves the deletion of the entire coding sequence of the BRCA2 gene. A presumed nomenclature of c.(?_-228)_(*903_?)del has been designated for the purposes of this classification. Although exact breakpoints of this deletion are not known, large deletions in BRCA2 are a known mechanism of disease. The variant was not found in approximately 21000 individuals in the gnomAD structural variant database. Deletion of the entire BRCA2 gene has been reported in the literature in individuals affected with Hereditary Breast and Ovarian Cancer (examples- Tournier_2004, LeCarpentier_2012, Rebbeck_2018). These data indicate that the variant is likely to be associated with disease. To our knowledge, no experimental evidence demonstrating an impact on protein function has been reported. One ClinVar submitter (evaluation after 2014) cited the variant as pathogenic. Based on the evidence outlined above, the variant was classified as pathogenic.

Literature cited by the submitters: PubMed 21120943; PubMed 22762150; PubMed 15548676; PubMed 29446198.